The following is an entry in ClinVar:

ClinVar aggregate classification (germline): Uncertain significance (1 of 4 stars; one submission).

Conditions:
Mosaic variegated aneuploidy syndrome 2 (MVA2). Identifiers: Orphanet 1052, MedGen C3279843, MONDO:0013582, OMIM 614114.

Allele frequency attached by ClinVar (database versions not stated): gnomAD exomes below 0.00001.
gnomAD v4.1: 2 of 1,613,218 alleles (0.00012%); highest among the groups gnomAD compares: South Asian, 0.0022%; no homozygotes.

Submission:

Labcorp Genetics (formerly Invitae), Labcorp
Classification: Uncertain significance for Mosaic variegated aneuploidy syndrome 2. Last evaluated: 2022-11-29. Review status: criteria provided, single submitter. Criteria: Invitae Variant Classification Sherloc (09022015). Collection method: clinical testing. Allele origin: germline.
Comment: This sequence change replaces glutamine, which is neutral and polar, with glutamic acid, which is acidic and polar, at codon 176 of the CEP57 protein (p.Gln176Glu). This variant is not present in population databases (gnomAD no frequency). This variant has not been reported in the literature in individuals affected with CEP57-related conditions. Advanced modeling of protein sequence and biophysical properties (such as structural, functional, and spatial information, amino acid conservation, physicochemical variation, residue mobility, and thermodynamic stability) performed at Invitae indicates that this missense variant is not expected to disrupt CEP57 protein function. In summary, the available evidence is currently insufficient to determine the role of this variant in disease. Therefore, it has been classified as a Variant of Uncertain Significance.

NM_014679.5(CEP57):c.526C>G (p.Gln176Glu)

Gene: CEP57 (centrosomal protein 57; plus strand). Cytogenetic location: 11q21.
Variant type: single nucleotide variant.
Coding change: c.526C>G on transcript NM_014679.5 (MANE Select); coding-DNA position 526, C replaced by G.
Protein change: p.Gln176Glu; replaces glutamine 176 with glutamic acid.
Molecular consequence: missense variant.
Genome position (GRCh38, 1-based): chr11:95,817,808, C>G. VCF-style: chr11-95817808-C-G. GRCh37 (hg19) VCF-style: chr11-95550972-C-G.
Other names: c.499C>G, p.Gln167Glu (NM_001243776.2); c.526C>G, p.Gln176Glu (NM_001243777.2); c.445C>G, p.Gln149Glu (NM_001363604.2); short protein forms Q167E, Q149E, Q176E.
Identifiers: ClinVar variation 2196690 (VCV002196690.4), dbSNP rs2496254983, ClinGen allele CA382422693.
Genomic context (GRCh38, chr11:95,817,808, plus strand): 5'-TTGTCAAATTATCAAGCCGTATTGAATATTGTTTTTCAGGTTTCCCTAGAAAGAGAACGA[C>G]AACATGATCAAACACATGTTCAGAGCCAACTTGAAAAATTGGATCTTCTTGAACAGGAGT-3'
Protein context (NP_055494.2, residues 166-186): EKQVSLERER[Gln176Glu]HDQTHVQSQL